The following is an entry in ClinVar:

ClinVar aggregate classification (germline): Uncertain significance (1 of 4 stars; one submission).

Submission:

Labcorp Genetics (formerly Invitae), Labcorp
Classification: Uncertain significance. Last evaluated: 2021-10-18. Review status: criteria provided, single submitter. Criteria: Invitae Variant Classification Sherloc (09022015). Collection method: clinical testing. Allele origin: germline.
Comment: This variant has not been reported in the literature in individuals affected with MSH3-related conditions. Algorithms developed to predict the effect of missense changes on protein structure and function are either unavailable or do not agree on the potential impact of this missense change (SIFT: "Deleterious"; PolyPhen-2: "Probably Damaging"; Align-GVGD: "Class C0"). Algorithms developed to predict the effect of sequence changes on RNA splicing suggest that this variant may create or strengthen a splice site. In summary, the available evidence is currently insufficient to determine the role of this variant in disease. Therefore, it has been classified as a Variant of Uncertain Significance. This sequence change replaces valine with glycine at codon 909 of the MSH3 protein (p.Val909Gly). The valine residue is moderately conserved and there is a moderate physicochemical difference between valine and glycine. This variant is not present in population databases (ExAC no frequency).

NM_002439.5(MSH3):c.2726T>G (p.Val909Gly)

Gene: MSH3 (mutS homolog 3; plus strand). Cytogenetic location: 5q14.1.
Variant type: single nucleotide variant.
Coding change: c.2726T>G on transcript NM_002439.5 (MANE Select); coding-DNA position 2726, T replaced by G.
Protein change: p.Val909Gly; replaces valine 909 with glycine.
Molecular consequence: missense variant.
Genome position (GRCh38, 1-based): chr5:80,813,654, T>G. VCF-style: chr5-80813654-T-G. GRCh37 (hg19) VCF-style: chr5-80109473-T-G.
Other names: short protein forms V909G.
Identifiers: ClinVar variation 843457 (VCV000843457.7), dbSNP rs1745048014, ClinGen allele CA360273955.